The following is an entry in ClinVar:

NM_153676.4(USH1C):c.2375G>A (p.Arg792Gln)

Gene: USH1C (USH1 protein network component harmonin; minus strand). Cytogenetic location: 11p15.1.
Variant type: single nucleotide variant.
Coding change: c.2375G>A on transcript NM_153676.4 (MANE Select); coding-DNA position 2375, G replaced by A.
Protein change: p.Arg792Gln; replaces arginine 792 with glutamine.
Molecular consequence: missense variant. On other transcripts: non-coding transcript variant (1).
Genome position (GRCh38, 1-based): chr11:17,501,056, C>T on the plus strand (G>A on the coding strand, the complement: USH1C is on the minus strand). VCF-style: chr11-17501056-C-T. GRCh37 (hg19) VCF-style: chr11-17522603-C-T.
Other names: c.1418G>A, p.Arg473Gln (NM_001297764.2); c.1475G>A, p.Arg492Gln (NM_005709.4); short protein forms R492Q, R473Q, R792Q.
Identifiers: ClinVar variation 2149363 (VCV002149363.3), dbSNP rs563952065, ClinGen allele CA5904202.

ClinVar aggregate classification (germline): Uncertain significance. Review status: criteria provided, multiple submitters, no conflicts (2 of 4 stars). 3 submissions from 3 submitters: Uncertain significance (2). 1 of the submissions does not count toward it. Last evaluated 2022-11-17.

Conditions:
Optic atrophy. Identifiers: MedGen C0029124, MONDO:0003608, HP:0000648.

Allele frequency attached by ClinVar (database versions not stated): gnomAD 0.00001; ExAC 0.00004; TOPMed 0.00004; 1000 Genomes Project 0.00020; 1000 Genomes Project 30x 0.00031.
gnomAD v4.1: 27 of 1,613,422 alleles (0.0017%); highest among the groups gnomAD compares: African/African-American, 0.004%; no homozygotes.

Submissions (3):

Blueprint Genetics
Classification: Uncertain significance. Last evaluated: 2022-11-17. Review status: criteria provided, single submitter. Criteria: ACMG Guidelines, 2015. Collection method: clinical testing. Allele origin: germline.

Labcorp Genetics (formerly Invitae), Labcorp
Classification: Uncertain significance. Last evaluated: 2022-06-04. Review status: criteria provided, single submitter. Criteria: Invitae Variant Classification Sherloc (09022015). Collection method: clinical testing. Allele origin: germline.
Comment: This sequence change replaces arginine, which is basic and polar, with glutamine, which is neutral and polar, at codon 492 of the USH1C protein (p.Arg492Gln). This variant is present in population databases (rs563952065, gnomAD 0.007%). This variant has not been reported in the literature in individuals affected with USH1C-related conditions. Algorithms developed to predict the effect of missense changes on protein structure and function are either unavailable or do not agree on the potential impact of this missense change (SIFT: "Deleterious"; PolyPhen-2: "Benign"; Align-GVGD: "Class C0"). In summary, the available evidence is currently insufficient to determine the role of this variant in disease. Therefore, it has been classified as a Variant of Uncertain Significance.

Institute of Human Genetics, Univ. Regensburg, Univ. Regensburg
Classification: Uncertain significance for Optic atrophy. Last evaluated: 2022-01-01. Review status: no assertion criteria provided. Criteria: ACMG Guidelines, 2015. Collection method: clinical testing. Allele origin: germline. Affected: yes. Not counted in ClinVar's aggregate classification.